The following is an entry in ClinVar:

ClinVar aggregate classification (germline): Likely benign (0 of 4 stars; one submission).

Conditions:
YARS2-related disorder. Also called: YARS2-related condition.

Submission:

PreventionGenetics, part of Exact Sciences
Classification: Likely benign for YARS2-related condition. Last evaluated: 2024-03-22. Review status: no assertion criteria provided. Collection method: clinical testing. Allele origin: germline.
Comment: This variant is classified as likely benign based on ACMG/AMP sequence variant interpretation guidelines (Richards et al. 2015 PMID: 25741868, with internal and published modifications).

NM_001040436.3(YARS2):c.1068T>C (p.Leu356=)

Gene: YARS2 (tyrosyl-tRNA synthetase 2; minus strand). Cytogenetic location: 12p11.21.
Variant type: single nucleotide variant.
Coding change: c.1068T>C on transcript NM_001040436.3 (MANE Select); coding-DNA position 1068, T replaced by C.
Protein change: p.Leu356=; no amino-acid change (leucine 356 retained).
Molecular consequence: synonymous variant.
Genome position (GRCh38, 1-based): chr12:32,750,754, A>G on the plus strand (T>C on the coding strand, the complement: YARS2 is on the minus strand). VCF-style: chr12-32750754-A-G. GRCh37 (hg19) VCF-style: chr12-32903688-A-G.
Identifiers: ClinVar variation 3354509 (VCV003354509.1).